The following is an entry in ClinVar:

ClinVar aggregate classification (germline): Uncertain significance (1 of 4 stars; one submission).

Conditions:
Autism, susceptibility to, X-linked 1 (AUTSX1). Also called: Autism susceptibility, X-linked 1. Identifiers: MedGen C1845540, MONDO:0010321, OMIM 300425.

Submission:

Juno Genomics, Hangzhou Juno Genomics, Inc
Classification: Uncertain significance for Autism, susceptibility to, X-linked 1. Review status: criteria provided, single submitter. Criteria: ACMG Guidelines, 2015. Collection method: clinical testing. Allele origin: germline.
Comment: Absent from controls (or at extremely low frequency if recessive) in Genome Aggregation Database.;De novo (both maternity and paternity confirmed) in a patient with the disease and no family history.;Multiple lines of computational evidence support a deleterious effect on the gene or gene product.

NM_181303.2(NLGN3):c.517+5G>T

Gene: NLGN3 (neuroligin 3; plus strand). Cytogenetic location: Xq13.1.
Variant type: single nucleotide variant.
Coding change: c.517+5G>T on transcript NM_181303.2 (MANE Select); 5 bases into the intron after coding-DNA position 517, G replaced by T.
Molecular consequence: intron variant.
Genome position (GRCh38, 1-based): chrX:71,148,910, G>T. VCF-style: chrX-71148910-G-T. GRCh37 (hg19) VCF-style: chrX-70368760-G-T.
Other names: c.457+704G>T (NM_018977.4, NM_001166660.2); c.166+5G>T (NM_001438296.1, NM_001437941.1); c.106+704G>T (NM_001438298.1, NM_001321276.2).
Identifiers: ClinVar variation 5007592 (VCV005007592.2).